The following is an entry in ClinVar:

NM_152468.5(TMC8):c.1843G>A (p.Val615Ile)

Gene: TMC8 (transmembrane channel like 8; plus strand). Cytogenetic location: 17q25.3.
Variant type: single nucleotide variant.
Coding change: c.1843G>A on transcript NM_152468.5 (MANE Select); coding-DNA position 1843, G replaced by A.
Protein change: p.Val615Ile; replaces valine 615 with isoleucine.
Molecular consequence: missense variant.
Genome position (GRCh38, 1-based): chr17:78,139,181, G>A. VCF-style: chr17-78139181-G-A. GRCh37 (hg19) VCF-style: chr17-76135262-G-A.
Other names: short protein forms V615I.
Identifiers: ClinVar variation 1041431 (VCV001041431.8), dbSNP rs571040732, ClinGen allele CA8797065.

ClinVar aggregate classification (germline): Conflicting classifications of pathogenicity. Review status: criteria provided, conflicting classifications (1 of 4 stars). 3 submissions from 3 submitters: Uncertain significance (2); Likely benign (1). Last evaluated 2022-02-04.

Conditions:
Epidermodysplasia verruciformis. Identifiers: Orphanet 302, MedGen C0014522, MONDO:0009176.

Allele frequency attached by ClinVar (database versions not stated): gnomAD 0.00001; TOPMed 0.00001.

Submissions (3):

Labcorp Genetics (formerly Invitae), Labcorp
Classification: Uncertain significance for Epidermodysplasia verruciformis. Last evaluated: 2022-02-04. Review status: criteria provided, single submitter. Criteria: Invitae Variant Classification Sherloc (09022015). Collection method: clinical testing. Allele origin: germline.
Comment: This sequence change replaces valine, which is neutral and non-polar, with isoleucine, which is neutral and non-polar, at codon 615 of the TMC8 protein (p.Val615Ile). This variant is present in population databases (rs571040732, gnomAD 0.006%). This variant has not been reported in the literature in individuals affected with TMC8-related conditions. ClinVar contains an entry for this variant (Variation ID: 1041431). Algorithms developed to predict the effect of missense changes on protein structure and function output the following: SIFT: "Tolerated"; PolyPhen-2: "Benign"; Align-GVGD: "Class C0". The isoleucine amino acid residue is found in multiple mammalian species, which suggests that this missense change does not adversely affect protein function. In summary, the available evidence is currently insufficient to determine the role of this variant in disease. Therefore, it has been classified as a Variant of Uncertain Significance.

Blueprint Genetics
Classification: Likely benign. Last evaluated: 2022-01-11. Review status: criteria provided, single submitter. Criteria: ACMG Guidelines, 2015. Collection method: clinical testing. Allele origin: germline.

Breakthrough Genomics
Classification: Uncertain significance. Review status: criteria provided, single submitter. Criteria: ACMG Guidelines, 2015. Collection method: not provided. Allele origin: germline. Inheritance: Autosomal recessive inheritance. Affected: yes.